The following is an entry in ClinVar:

NM_005045.4(RELN):c.5408T>C (p.Ile1803Thr)

Gene: RELN (reelin; minus strand). Cytogenetic location: 7q22.1.
Variant type: single nucleotide variant.
Coding change: c.5408T>C on transcript NM_005045.4 (MANE Select); coding-DNA position 5408, T replaced by C.
Protein change: p.Ile1803Thr; replaces isoleucine 1803 with threonine.
Molecular consequence: missense variant.
Genome position (GRCh38, 1-based): chr7:103,561,653, A>G on the plus strand (T>C on the coding strand, the complement: RELN is on the minus strand). VCF-style: chr7-103561653-A-G. GRCh37 (hg19) VCF-style: chr7-103202100-A-G.
Other names: c.5408T>C, p.Ile1803Thr (NM_173054.3); short protein forms I1803T.
Identifiers: ClinVar variation 646733 (VCV000646733.8), dbSNP rs1584296775, ClinGen allele CA368743976.
Genomic context (GRCh38, chr7:103,561,653, plus strand): 5'-GCACCATACACTTCAGGCCAAAGGTCAGGATGTAAATTCCCATTGAAATCGTCTTTAAGA[A>G]TCGAGGGCAGAGGAACAACAGGAACACAATAGGGTCCACCAAAGCCCCGGTCACACCTAA-3'
Protein context (NP_005036.2, residues 1793-1813): YCVPVVPLPS[Ile1803Thr]LKDDFNGNLH

ClinVar aggregate classification (germline): Uncertain significance (1 of 4 stars; one submission).

Conditions:
Familial temporal lobe epilepsy 7. Identifiers: Orphanet 101046, MedGen C4225327, MONDO:0014639, OMIM 616436.
Norman-Roberts syndrome (LIS2). Also called: Lissencephaly 2 (Norman-Roberts type). Identifiers: Orphanet 89844, MedGen C0796089, MONDO:0009760, OMIM 257320.

Allele frequency attached by ClinVar (database versions not stated): TOPMed below 0.00001.

Submission:

Labcorp Genetics (formerly Invitae), Labcorp
Classification: Uncertain significance for Familial temporal lobe epilepsy 7; Norman-Roberts syndrome. Last evaluated: 2022-08-09. Review status: criteria provided, single submitter. Criteria: Invitae Variant Classification Sherloc (09022015). Collection method: clinical testing. Allele origin: germline.
Comment: This variant has not been reported in the literature in individuals affected with RELN-related conditions. ClinVar contains an entry for this variant (Variation ID: 646733). This variant is not present in population databases (gnomAD no frequency). This sequence change replaces isoleucine, which is neutral and non-polar, with threonine, which is neutral and polar, at codon 1803 of the RELN protein (p.Ile1803Thr). In summary, the available evidence is currently insufficient to determine the role of this variant in disease. Therefore, it has been classified as a Variant of Uncertain Significance. Algorithms developed to predict the effect of missense changes on protein structure and function are either unavailable or do not agree on the potential impact of this missense change (SIFT: "Deleterious"; PolyPhen-2: "Benign"; Align-GVGD: "Class C0").